The following is an entry in ClinVar:

NM_182961.4(SYNE1):c.5392G>T (p.Asp1798Tyr)

Gene: SYNE1 (spectrin repeat containing nuclear envelope protein 1; minus strand). Cytogenetic location: 6q25.2.
Variant type: single nucleotide variant.
Coding change: c.5392G>T on transcript NM_182961.4 (MANE Select); coding-DNA position 5392, G replaced by T.
Protein change: p.Asp1798Tyr; replaces aspartic acid 1798 with tyrosine.
Molecular consequence: missense variant.
Genome position (GRCh38, 1-based): chr6:152,419,598, C>A on the plus strand (G>T on the coding strand, the complement: SYNE1 is on the minus strand). VCF-style: chr6-152419598-C-A. GRCh37 (hg19) VCF-style: chr6-152740733-C-A.
Other names: c.5413G>T, p.Asp1805Tyr (NM_033071.5); short protein forms D1798Y, D1805Y.
Identifiers: ClinVar variation 586742 (VCV000586742.4), dbSNP rs772266857, ClinGen allele CA4058308.

ClinVar aggregate classification (germline): Uncertain significance. Review status: criteria provided, multiple submitters, no conflicts (2 of 4 stars). 2 submissions from 2 submitters: Uncertain significance (2). Last evaluated 2023-03-27.

Conditions:
Emery-Dreifuss muscular dystrophy 4, autosomal dominant (EDMD4). Also called: EMERY-DREIFUSS MUSCULAR DYSTROPHY 4 WITH VARIABLE FEATURES. Identifiers: Orphanet 261, MedGen C2751807, MONDO:0013071, OMIM 612998.
Autosomal recessive ataxia, Beauce type. Also called: SYNE1-Related Autosomal Recessive Cerebellar Ataxia; Spinocerebellar ataxia, autosomal recessive 8; ATAXIA, RECESSIVE, OF BEAUCE; SYNE1 Deficiency. Identifiers: Orphanet 88644, MedGen C1853116, MONDO:0012549, OMIM 610743.

Allele frequency attached by ClinVar (database versions not stated): gnomAD 0.00006; TOPMed 0.00010; gnomAD exomes 0.00001; ExAC 0.00002.
gnomAD v4.1: 13 of 1,612,644 alleles (0.00081%); highest among the groups gnomAD compares: African/African-American, 0.015%; no homozygotes.

Submissions (2):

Labcorp Genetics (formerly Invitae), Labcorp
Classification: Uncertain significance for Emery-Dreifuss muscular dystrophy 4, autosomal dominant; Autosomal recessive ataxia, Beauce type. Last evaluated: 2023-03-27. Review status: criteria provided, single submitter. Criteria: Invitae Variant Classification Sherloc (09022015). Collection method: clinical testing. Allele origin: germline.
Comment: An algorithm developed to predict the effect of missense changes on protein structure and function (PolyPhen-2) suggests that this variant is likely to be disruptive. In summary, the available evidence is currently insufficient to determine the role of this variant in disease. Therefore, it has been classified as a Variant of Uncertain Significance. ClinVar contains an entry for this variant (Variation ID: 586742). This sequence change replaces aspartic acid, which is acidic and polar, with tyrosine, which is neutral and polar, at codon 1805 of the SYNE1 protein (p.Asp1805Tyr). This variant is present in population databases (rs772266857, gnomAD 0.02%). This variant has not been reported in the literature in individuals affected with SYNE1-related conditions.

Athena Diagnostics
Classification: Uncertain significance. Last evaluated: 2018-01-03. Review status: criteria provided, single submitter. Criteria: Athena Diagnostics Criteria. Collection method: clinical testing. Allele origin: germline.